The following is an entry in ClinVar:

ClinVar aggregate classification (germline): Uncertain significance (1 of 4 stars; one submission).

Conditions:
Eichsfeld type congenital muscular dystrophy (CMYO3). Also called: Rigid spine muscular dystrophy 1; MYOPATHY, SEPN1-RELATED; SELENON-related myopathy; Congenital myopathy 3 with rigid spine. Identifiers: MedGen C0410180, MONDO:0100100, OMIM 602771.

Allele frequency attached by ClinVar (database versions not stated): TOPMed below 0.00001; gnomAD 0.00001; gnomAD exomes 0.00001.
gnomAD v4.1: 9 of 1,089,962 alleles (0.00083%); highest among the groups gnomAD compares: Non-Finnish European, 0.00089%; no homozygotes.

Submission:

Labcorp Genetics (formerly Invitae), Labcorp
Classification: Uncertain significance for Eichsfeld type congenital muscular dystrophy. Last evaluated: 2022-06-09. Review status: criteria provided, single submitter. Criteria: Invitae Variant Classification Sherloc (09022015). Collection method: clinical testing. Allele origin: germline.
Comment: In summary, the available evidence is currently insufficient to determine the role of this variant in disease. Therefore, it has been classified as a Variant of Uncertain Significance. Algorithms developed to predict the effect of missense changes on protein structure and function are either unavailable or do not agree on the potential impact of this missense change (SIFT: "Deleterious"; PolyPhen-2: "Benign"; Align-GVGD: "Class C0"). This variant has not been reported in the literature in individuals affected with SELENON-related conditions. This variant is not present in population databases (gnomAD no frequency). This sequence change replaces glutamine, which is neutral and polar, with proline, which is neutral and non-polar, at codon 56 of the SELENON protein (p.Gln56Pro).

NM_206926.2(SELENON):c.167A>C (p.Gln56Pro)

Gene: SELENON (selenoprotein N; plus strand). Cytogenetic location: 1p36.11.
Variant type: single nucleotide variant.
Coding change: c.167A>C on transcript NM_206926.2 (MANE Select); coding-DNA position 167, A replaced by C.
Protein change: p.Gln56Pro; replaces glutamine 56 with proline.
Molecular consequence: missense variant.
Genome position (GRCh38, 1-based): chr1:25,800,397, A>C. VCF-style: chr1-25800397-A-C. GRCh37 (hg19) VCF-style: chr1-26126888-A-C.
Other names: c.167A>C, p.Gln56Pro (NM_020451.3); short protein forms Q56P.
Identifiers: ClinVar variation 2129135 (VCV002129135.4), dbSNP rs1358854954, ClinGen allele CA339106294.